The following is an entry in ClinVar:

ClinVar aggregate classification (germline): Benign/Likely benign. Review status: criteria provided, multiple submitters, no conflicts (2 of 4 stars). 15 submissions from 15 submitters: Benign (3); Likely benign (7). 5 of the submissions do not count toward it. Last evaluated 2026-09-01.

Conditions:
Cardiovascular phenotype. Identifiers: MedGen CN230736.
SCN1B-related disorder. Also called: SCN1B-related condition; SCN1B-Related Disorders.
Atrial fibrillation, familial, 13 (ATFB13). Identifiers: MedGen C3809311, MONDO:0014155, OMIM 615377.
Brugada syndrome 5 (BRGDA5). Identifiers: Orphanet 130, Orphanet 871, MedGen C2748541, MONDO:0013015, OMIM 612838.
Developmental and epileptic encephalopathy, 52 (DEE52). Also called: Epileptic encephalopathy, early infantile, 52. Identifiers: MedGen C4479236, MONDO:0033361, OMIM 617350.
Generalized epilepsy with febrile seizures plus, type 1 (GEFSP1). Also called: GEFS+, TYPE 1. Identifiers: Orphanet 36387, MedGen C1858672, MONDO:0011416, OMIM 604233.

Allele frequency attached by ClinVar (database versions not stated): 1000 Genomes Project 30x 0.00016; 1000 Genomes Project 0.00020; gnomAD exomes 0.00143; gnomAD 0.00160 and 0.00173; TOPMed 0.00172; ExAC 0.00174; ESP Exome Variant Server 0.00241.
gnomAD v4.1: 3,357 of 1,549,766 alleles (0.22%); highest among the groups gnomAD compares: Non-Finnish European, 0.26%; 4 homozygotes.

Submissions (15):

CeGaT Center for Human Genetics Tuebingen
Classification: Likely benign. Last evaluated: 2026-09-01. Review status: criteria provided, single submitter. Criteria: CeGaT Center For Human Genetics Tuebingen Variant Classification Criteria Version 2. Collection method: clinical testing. Allele origin: germline. Affected: yes. Observed: 32 variant alleles.
Comment: SCN1B: BP4, BS1

Labcorp Genetics (formerly Invitae), Labcorp
Classification: Likely benign for Brugada syndrome 5. Last evaluated: 2026-01-20. Review status: criteria provided, single submitter. Criteria: Invitae Variant Classification Sherloc (09022015). Collection method: clinical testing. Allele origin: germline.

ARUP Laboratories, Molecular Genetics and Genomics, ARUP Laboratories
Classification: Likely benign. Last evaluated: 2025-07-17. Review status: criteria provided, single submitter. Criteria: ARUP Molecular Germline Variant Investigation Process 2024. Collection method: clinical testing. Allele origin: germline.

Blueprint Genetics
Classification: Likely benign. Last evaluated: 2024-11-22. Review status: criteria provided, single submitter. Criteria: ACMG Guidelines, 2015. Collection method: clinical testing. Allele origin: germline.

Fulgent Genetics
Classification: Likely benign for Generalized epilepsy with febrile seizures plus, type 1; Brugada syndrome 5; Atrial fibrillation, familial, 13; Developmental and epileptic encephalopathy, 52. Last evaluated: 2022-05-05. Review status: criteria provided, single submitter. Criteria: ACMG Guidelines, 2015. Collection method: clinical testing. Allele origin: unknown.

Women's Health and Genetics/Laboratory Corporation of America, LabCorp
Classification: Benign. Last evaluated: 2022-02-21. Review status: criteria provided, single submitter. Criteria: LabCorp Variant Classification Summary - May 2015. Collection method: clinical testing. Allele origin: germline.
Comment: Variant summary: SCN1B c.769G>A (p.Gly257Arg) results in a non-conservative amino acid change in the encoded protein sequence. Three of five in-silico tools predict a benign effect of the variant on protein function. The variant allele was found at a frequency of 0.0014 in 154932 control chromosomes. The observed variant frequency is approximately 143 fold of the estimated maximal expected allele frequency for a pathogenic variant in SCN1B causing Arrhythmia phenotype (1e-05), strongly suggesting that the variant is benign. c.769G>A has been reported in the literature in individuals affected with Arrhythmia. At least one publication reports experimental evidence evaluating an impact on protein function, however, does not allow convincing conclusions about the variant effect. Six clinical diagnostic laboratories have submitted clinical-significance assessments for this variant to ClinVar after 2014 without evidence for independent evaluation. All laboratories classified the variant as benign/likely benign. Based on the evidence outlined above, the variant was classified as benign.

Ambry Genetics
Classification: Likely benign for Cardiovascular phenotype. Last evaluated: 2021-11-09. Review status: criteria provided, single submitter. Criteria: Ambry Variant Classification Scheme 2023. Collection method: clinical testing. Allele origin: germline.

Mendelics
Classification: Benign for Brugada syndrome 5. Last evaluated: 2019-05-28. Review status: criteria provided, single submitter. Criteria: Mendelics Assertion Criteria 2017. Collection method: clinical testing. Allele origin: unknown.

Institute for Genomic Medicine (IGM) Clinical Laboratory, Nationwide Children's Hospital
Classification: Likely benign. Last evaluated: 2017-11-06. Review status: criteria provided, single submitter. Criteria: ACMG Guidelines, 2015. Collection method: clinical testing. Allele origin: germline.
Comment: BP4, BP6; This alteration is predicted to be tolerated by multiple functional prediction tools, and was reported as a benign/likely benign alteration by a reputable source (ClinVar or other correspondence from a clinical testing laboratory).

GeneDx
Classification: Benign. Last evaluated: 2016-11-09. Review status: criteria provided, single submitter. Criteria: GeneDx Variant Classification (06012015). Collection method: clinical testing. Allele origin: germline. Affected: yes.
Comment: This variant is considered likely benign or benign based on one or more of the following criteria: it is a conservative change, it occurs at a poorly conserved position in the protein, it is predicted to be benign by multiple in silico algorithms, and/or has population frequency not consistent with disease.

PreventionGenetics, part of Exact Sciences
Classification: Likely benign for SCN1B-related condition. Last evaluated: 2020-07-06. Review status: no assertion criteria provided. Collection method: clinical testing. Allele origin: germline. Not counted in ClinVar's aggregate classification.
Comment: This variant is classified as likely benign based on ACMG/AMP sequence variant interpretation guidelines (Richards et al. 2015 PMID: 25741868, with internal and published modifications).

Clinical Genetics DNA and cytogenetics Diagnostics Lab, Erasmus MC, Erasmus Medical Center
Classification: Likely benign. Review status: no assertion criteria provided. Collection method: clinical testing. Allele origin: germline. Affected: yes. Study: VKGL Data-share Consensus. Not counted in ClinVar's aggregate classification.

Clinical Genetics, Academic Medical Center
Classification: Likely benign. Review status: no assertion criteria provided. Collection method: clinical testing. Allele origin: germline. Affected: yes. Study: VKGL Data-share Consensus. Not counted in ClinVar's aggregate classification.

Genome Diagnostics Laboratory, University Medical Center Utrecht
Classification: Likely benign. Review status: no assertion criteria provided. Collection method: clinical testing. Allele origin: germline. Affected: yes. Study: VKGL Data-share Consensus. Not counted in ClinVar's aggregate classification.

Joint Genome Diagnostic Labs from Nijmegen and Maastricht, Radboudumc and MUMC+
Classification: Likely benign. Review status: no assertion criteria provided. Collection method: clinical testing. Allele origin: germline. Affected: yes. Study: VKGL Data-share Consensus. Not counted in ClinVar's aggregate classification.

Literature cited by the submitters: PubMed 21994374 (cited by Women's Health and Genetics/Laboratory Corporation of America, LabCorp); PubMed 23182416 (cited by Women's Health and Genetics/Laboratory Corporation of America, LabCorp).

NM_001037.5(SCN1B):c.448+321G>A

Gene: SCN1B (sodium voltage-gated channel beta subunit 1; plus strand). Cytogenetic location: 19q13.11.
Variant type: single nucleotide variant.
Coding change: c.448+321G>A on transcript NM_001037.5 (MANE Select); 321 bases into the intron after coding-DNA position 448, G replaced by A.
Molecular consequence: intron variant. On other transcripts: missense variant (1).
Genome position (GRCh38, 1-based): chr19:35,034,060, G>A. VCF-style: chr19-35034060-G-A. GRCh37 (hg19) VCF-style: chr19-35524964-G-A.
Other names: p.G257R:GGG>AGG; c.769G>A, p.Gly257Arg (NM_199037.5); c.349+321G>A (NM_001321605.2); short protein forms G257R.
Identifiers: ClinVar variation 190850 (VCV000190850.68), dbSNP rs72558028, ClinGen allele CA302137.